The following is an entry in ClinVar:

NM_133259.4(LRPPRC):c.1652C>T (p.Ser551Phe)

Gene: LRPPRC (leucine rich pentatricopeptide repeat containing; minus strand). Cytogenetic location: 2p21.
Variant type: single nucleotide variant.
Coding change: c.1652C>T on transcript NM_133259.4 (MANE Select); coding-DNA position 1652, C replaced by T.
Protein change: p.Ser551Phe; replaces serine 551 with phenylalanine.
Molecular consequence: missense variant.
Genome position (GRCh38, 1-based): chr2:43,950,598, G>A on the plus strand (C>T on the coding strand, the complement: LRPPRC is on the minus strand). VCF-style: chr2-43950598-G-A. GRCh37 (hg19) VCF-style: chr2-44177737-G-A.
Other names: c.1652C>T (NM_133259.3); short protein forms S551F.
Identifiers: ClinVar variation 2121165 (VCV002121165.5), dbSNP rs1672861415, ClinGen allele CA346678008.

ClinVar aggregate classification (germline): Uncertain significance. Review status: criteria provided, multiple submitters, no conflicts (2 of 4 stars). 2 submissions from 2 submitters: Uncertain significance (2). Last evaluated 2024-08-19.

Conditions:
Inborn genetic diseases. Identifiers: MedGen C0950123, MeSH D030342.

Allele frequency attached by ClinVar (database versions not stated): TOPMed below 0.00001.
gnomAD v4.1: 2 of 1,613,210 alleles (0.00012%); highest among the groups gnomAD compares: South Asian, 0.0011%; no homozygotes.

Submissions (2):

Ambry Genetics
Classification: Uncertain significance for Inborn genetic diseases. Last evaluated: 2024-08-19. Review status: criteria provided, single submitter. Criteria: Ambry Variant Classification Scheme 2023. Collection method: clinical testing. Allele origin: germline.

Labcorp Genetics (formerly Invitae), Labcorp
Classification: Uncertain significance. Last evaluated: 2024-01-19. Review status: criteria provided, single submitter. Criteria: Invitae Variant Classification Sherloc (09022015). Collection method: clinical testing. Allele origin: germline.
Comment: This sequence change replaces serine, which is neutral and polar, with phenylalanine, which is neutral and non-polar, at codon 551 of the LRPPRC protein (p.Ser551Phe). This variant is not present in population databases (gnomAD no frequency). This variant has not been reported in the literature in individuals affected with LRPPRC-related conditions. ClinVar contains an entry for this variant (Variation ID: 2121165). An algorithm developed to predict the effect of missense changes on protein structure and function (PolyPhen-2) suggests that this variant is likely to be tolerated. In summary, the available evidence is currently insufficient to determine the role of this variant in disease. Therefore, it has been classified as a Variant of Uncertain Significance.